The following is an entry in ClinVar:

ClinVar aggregate classification (germline): Likely pathogenic. Review status: criteria provided, multiple submitters, no conflicts (2 of 4 stars). 3 submissions from 3 submitters: Likely pathogenic (2). 1 of the submissions does not count toward it. Last evaluated 2021-11-30.

Conditions:
Congenital adrenal insufficiency with 46, XY sex reversal OR 46,XY disorder of sex development-adrenal insufficiency due to CYP11A1 deficiency. Also called: P450scc DEFICIENCY; Congenital adrenal insuffiency with 46, XY sex reversal OR 46,XY disorder of sex development-adrenal insufficiency due to CYP11A1 deficiency. Identifiers: Orphanet 168558, MedGen C3151055, MONDO:0013400, OMIM 613743.

Allele frequency attached by ClinVar (database versions not stated): ExAC 0.00002; gnomAD exomes 0.00001; TOPMed 0.00001; gnomAD 0.00001.
gnomAD v4.1: 10 of 1,613,950 alleles (0.00062%); highest among the groups gnomAD compares: East Asian, 0.0022%; no homozygotes.

Submissions (3):

Fulgent Genetics
Classification: Likely pathogenic for Congenital adrenal insufficiency with 46, XY sex reversal OR 46,XY disorder of sex development-adrenal insufficiency due to CYP11A1 deficiency. Last evaluated: 2021-11-30. Review status: criteria provided, single submitter. Criteria: ACMG Guidelines, 2015. Collection method: clinical testing. Allele origin: unknown.

Juno Genomics, Hangzhou Juno Genomics, Inc
Classification: Likely pathogenic for Congenital adrenal insufficiency with 46, XY sex reversal OR 46,XY disorder of sex development-adrenal insufficiency due to CYP11A1 deficiency. Review status: criteria provided, single submitter. Criteria: ACMG Guidelines, 2015. Collection method: clinical testing. Allele origin: germline.
Comment: Absent from controls (or at extremely low frequency if recessive) in Genome Aggregation Database.;Multiple lines of computational evidence support a deleterious effect on the gene or gene product.;For recessive disorders, detected in trans with a pathogenic variant.;Patient's phenotype or family history is highly specific for a disease with a single genetic etiology.

OMIM
Classification: Pathogenic for ADRENAL INSUFFICIENCY, CONGENITAL, WITH 46,XY SEX REVERSAL, PARTIAL OR COMPLETE. Last evaluated: 2002-08-01. Review status: no assertion criteria provided. Collection method: literature only. Allele origin: germline. Not counted in ClinVar's aggregate classification.

Literature cited by the submitters: PubMed 12161514 (cited by OMIM).

NM_000781.3(CYP11A1):c.1057C>T (p.Arg353Trp)

Gene: CYP11A1 (cytochrome P450 family 11 subfamily A member 1; minus strand). Cytogenetic location: 15q24.1.
Variant type: single nucleotide variant.
Coding change: c.1057C>T on transcript NM_000781.3 (MANE Select); coding-DNA position 1057, C replaced by T.
Protein change: p.Arg353Trp; replaces arginine 353 with tryptophan.
Molecular consequence: missense variant.
Genome position (GRCh38, 1-based): chr15:74,339,687, G>A on the plus strand (C>T on the coding strand, the complement: CYP11A1 is on the minus strand). VCF-style: chr15-74339687-G-A. GRCh37 (hg19) VCF-style: chr15-74632028-G-A.
Other names: c.583C>T, p.Arg195Trp (NM_001099773.2); short protein forms R353W, R195W.
Identifiers: ClinVar variation 17517 (VCV000017517.4), dbSNP rs72547508, ClinGen allele CA127237.